The following is an entry in ClinVar:

ClinVar aggregate classification (germline): Conflicting classifications of pathogenicity. Review status: criteria provided, conflicting classifications (1 of 4 stars). 8 submissions from 8 submitters: Uncertain significance (6); Likely benign (1). 1 of the submissions does not count toward it. Last evaluated 2026-04-15.

Conditions:
Inherited breast cancer and ovarian cancer.
Hereditary cancer-predisposing syndrome. Also called: Tumor predisposition; Neoplastic Syndromes, Hereditary; Hereditary Cancer Syndrome; Hereditary neoplastic syndrome. Identifiers: Orphanet 140162, MedGen C0027672, MeSH D009386, MONDO:0015356.
Hereditary breast ovarian cancer syndrome. Also called: Hereditary breast and ovarian cancer; Hereditary breast and/or ovarian cancer syndrome; Hereditary breast and ovarian cancer syndrome (HBOC); Hereditary breast and ovarian cancer syndrome; Breast and ovarian cancer; BRCA1- and BRCA2-Associated Hereditary Breast and Ovarian Cancer. Identifiers: Orphanet 145, MedGen C0677776, MeSH D061325, MONDO:0003582. Disease mechanism: loss of function.
Breast-ovarian cancer, familial, susceptibility to, 2 (BROVCA2). Also called: BRCA2 Hereditary Breast and Ovarian Cancer. Identifiers: Orphanet 145, MedGen C2675520, MONDO:0012933, OMIM 612555. Disease mechanism: loss of function.

Submissions (8):

Women's Health and Genetics/Laboratory Corporation of America, LabCorp
Classification: Uncertain significance. Last evaluated: 2026-04-15. Review status: criteria provided, single submitter. Criteria: LabCorp Variant Classification Summary - May 2015. Collection method: clinical testing. Allele origin: germline.
Comment: Variant summary: BRCA2 c.8324T>A (p.Met2775Lys) results in a non-conservative amino acid change in the encoded protein sequence. Algorithms developed to predict the effect of missense changes on protein structure and function are either unavailable or do not agree on the potential impact of this missense change. The variant was absent in 247808 control chromosomes (gnomAD). The available data on variant occurrences in the general population are insufficient to allow any conclusion about variant significance. c.8324T>A has been observed in an individual affected with breast cancer without strong evidence of causality (John_2024). This report does not provide unequivocal conclusions about association of the variant with Hereditary Breast And Ovarian Cancer Syndrome. To our knowledge, no experimental evidence demonstrating an impact on protein function has been reported. The following publication has been ascertained in the context of this evaluation (PMID: 38538877). ClinVar contains an entry for this variant (Variation ID: 230031). Based on the evidence outlined above, the variant was classified as uncertain significance.

Genomics and Molecular Medicine Service, East Genomic Laboratory Hub, NHS Genomic Medicine Service
Classification: Uncertain significance for Inherited breast cancer and ovarian cancer. Last evaluated: 2025-06-24. Review status: criteria provided, single submitter. Criteria: ACGS Best Practice Guidelines for Variant Classification in Rare Disease 2020. Collection method: clinical testing. Allele origin: germline. Affected: yes.
Comment: PM1_Supporting

Ambry Genetics
Classification: Likely benign for Hereditary cancer-predisposing syndrome. Last evaluated: 2025-05-08. Review status: criteria provided, single submitter. Criteria: Ambry Variant Classification Scheme 2023. Collection method: clinical testing. Allele origin: germline.

Labcorp Genetics (formerly Invitae), Labcorp
Classification: Uncertain significance for Hereditary breast ovarian cancer syndrome. Last evaluated: 2024-08-01. Review status: criteria provided, single submitter. Criteria: Invitae Variant Classification Sherloc (09022015). Collection method: clinical testing. Allele origin: germline.
Comment: This sequence change replaces methionine, which is neutral and non-polar, with lysine, which is basic and polar, at codon 2775 of the BRCA2 protein (p.Met2775Lys). This variant is not present in population databases (gnomAD no frequency). This variant has not been reported in the literature in individuals affected with BRCA2-related conditions. ClinVar contains an entry for this variant (Variation ID: 230031). Advanced modeling of protein sequence and biophysical properties (such as structural, functional, and spatial information, amino acid conservation, physicochemical variation, residue mobility, and thermodynamic stability) performed at Invitae indicates that this missense variant is not expected to disrupt BRCA2 protein function with a negative predictive value of 95%. In summary, the available evidence is currently insufficient to determine the role of this variant in disease. Therefore, it has been classified as a Variant of Uncertain Significance.

All of Us Research Program, National Institutes of Health
Classification: Uncertain significance for Breast-ovarian cancer, familial, susceptibility to, 2. Last evaluated: 2023-04-27. Review status: criteria provided, single submitter. Criteria: ACMG Guidelines, 2015. Collection method: clinical testing. Allele origin: germline. Inheritance: Autosomal dominant inheritance. Observed: 1 variant allele, 1 heterozygote.
Comment: This missense variant replaces methionine with lysine at codon 2775 of the BRCA2 protein. Computational prediction is inconclusive regarding the impact of this variant on protein structure and function (internally defined REVEL score threshold 0.5 < inconclusive < 0.7, PMID: 27666373). To our knowledge, functional studies have not been reported for this variant. This variant has not been reported in individuals affected with hereditary cancer in the literature. This variant has not been identified in the general population by the Genome Aggregation Database (gnomAD). The available evidence is insufficient to determine the role of this variant in disease conclusively. Therefore, this variant is classified as a Variant of Uncertain Significance.

This study involves interpretation of variants in research participants for the purpose of population health screening. Participant phenotype was not available at the time of variant classification. Additional details can be found in publication PMID: 35346344, PMCID: PMC8962531

Color Diagnostics, LLC DBA Color Health
Classification: Uncertain significance for Hereditary cancer-predisposing syndrome. Last evaluated: 2021-12-15. Review status: criteria provided, single submitter. Criteria: ACMG Guidelines, 2015. Collection method: clinical testing. Allele origin: germline.
Comment: This missense variant replaces methionine with lysine at codon 2775 of the BRCA2 protein. Computational prediction is inconclusive regarding the impact of this variant on protein structure and function (internally defined REVEL score threshold 0.5 < inconclusive < 0.7, PMID: 27666373). To our knowledge, functional studies have not been reported for this variant. This variant has not been reported in individuals affected with hereditary cancer in the literature. This variant has not been identified in the general population by the Genome Aggregation Database (gnomAD). The available evidence is insufficient to determine the role of this variant in disease conclusively. Therefore, this variant is classified as a Variant of Uncertain Significance.

Sema4
Classification: Uncertain significance for Hereditary cancer-predisposing syndrome. Last evaluated: 2021-11-04. Review status: criteria provided, single submitter. Criteria: Sema4 Curation Guidelines. Collection method: curation. Allele origin: germline.
Comment: The BRCA2 c.8324T>A (p.M2775K) variant has not been reported in literature to our knowledge. It was not observed in the large and broad cohorts of the Genome Aggregation Database (PMID: 32461654). This variant has been reported in ClinVar (Variation ID: 230031). Functional studies have not been performed, and in silico predictions of the variant's effect on protein function are inconclusive. The evidence is insufficient to meet ACMG/AMP criteria for classifying the variant as benign or pathogenic. Thus, the clinical significance of this variant is currently uncertain.

Counsyl
Classification: Uncertain significance for Breast-ovarian cancer, familial, susceptibility to, 2. Last evaluated: 2015-12-03. Review status: no assertion criteria provided. Collection method: clinical testing. Allele origin: unknown. Not counted in ClinVar's aggregate classification.

Literature cited by the submitters: PubMed 38538877 (cited by Women's Health and Genetics/Laboratory Corporation of America, LabCorp).

NM_000059.4(BRCA2):c.8324T>A (p.Met2775Lys)

Gene: BRCA2 (BRCA2 DNA repair associated; plus strand). Cytogenetic location: 13q13.1.
Variant type: single nucleotide variant.
Coding change: c.8324T>A on transcript NM_000059.4 (MANE Select); coding-DNA position 8324, T replaced by A.
Protein change: p.Met2775Lys; replaces methionine 2775 with lysine.
Molecular consequence: missense variant.
Genome position (GRCh38, 1-based): chr13:32,363,526, T>A. VCF-style: chr13-32363526-T-A. GRCh37 (hg19) VCF-style: chr13-32937663-T-A.
Other names: short protein forms M2775K.
Identifiers: ClinVar variation 230031 (VCV000230031.25), dbSNP rs80359073, ClinGen allele CA10579775.